The following is an entry in ClinVar:

ClinVar aggregate classification (germline): Uncertain significance. Review status: criteria provided, single submitter (1 of 4 stars). 2 submissions from 2 submitters: Uncertain significance (1). 1 of the submissions does not count toward it. Last evaluated 2023-08-08.

Conditions:
RYR1-related disorder. Also called: RYR1-related condition; RYR1-related disorders. Identifiers: MedGen CN239331.

Allele frequency attached by ClinVar (database versions not stated): gnomAD 0.00002; TOPMed 0.00002.
gnomAD v4.1: 22 of 1,613,552 alleles (0.0014%); highest among the groups gnomAD compares: Non-Finnish European, 0.0018%; no homozygotes.

Submissions (2):

Labcorp Genetics (formerly Invitae), Labcorp
Classification: Uncertain significance for RYR1-related disorder. Last evaluated: 2023-08-08. Review status: criteria provided, single submitter. Criteria: Invitae Variant Classification Sherloc (09022015). Collection method: clinical testing. Allele origin: germline.
Comment: In summary, the available evidence is currently insufficient to determine the role of this variant in disease. Therefore, it has been classified as a Variant of Uncertain Significance. Advanced modeling of protein sequence and biophysical properties (such as structural, functional, and spatial information, amino acid conservation, physicochemical variation, residue mobility, and thermodynamic stability) performed at Invitae indicates that this missense variant is expected to disrupt RYR1 protein function. This variant has not been reported in the literature in individuals affected with RYR1-related conditions. This variant is not present in population databases (gnomAD no frequency). This sequence change replaces asparagine, which is neutral and polar, with threonine, which is neutral and polar, at codon 920 of the RYR1 protein (p.Asn920Thr).

PreventionGenetics, part of Exact Sciences
Classification: Uncertain significance for RYR1-related condition. Last evaluated: 2024-04-26. Review status: no assertion criteria provided. Collection method: clinical testing. Allele origin: germline. Not counted in ClinVar's aggregate classification.
Comment: The RYR1 c.2759A>C variant is predicted to result in the amino acid substitution p.Asn920Thr. To our knowledge, this variant has not been reported in the literature or in a large population database, indicating this variant is rare. At this time, the clinical significance of this variant is uncertain due to the absence of conclusive functional and genetic evidence.

NM_000540.3(RYR1):c.2759A>C (p.Asn920Thr)

Gene: RYR1 (ryanodine receptor 1; plus strand). Cytogenetic location: 19q13.2.
Variant type: single nucleotide variant.
Coding change: c.2759A>C on transcript NM_000540.3 (MANE Select); coding-DNA position 2759, A replaced by C.
Protein change: p.Asn920Thr; replaces asparagine 920 with threonine.
Molecular consequence: missense variant.
Genome position (GRCh38, 1-based): chr19:38,463,823, A>C. VCF-style: chr19-38463823-A-C. GRCh37 (hg19) VCF-style: chr19-38954463-A-C.
Other names: c.2759A>C, p.Asn920Thr (NM_001042723.2); short protein forms N920T.
Identifiers: ClinVar variation 2998630 (VCV002998630.4), dbSNP rs1470081730, ClinGen allele CA405632589.
Genomic context (GRCh38, chr19:38,463,823, plus strand): 5'-AGAGGCTGCACCCGTGTCTTGTGGACTTCCACAGCCTTCCAGAGCCTGAGAGGAACTACA[A>C]CCTGCAGATGTCTGGGGAGACGCTCAAGTGAGGGCCCAGGGGAGCCGGGGGTTGGGGCTG-3'
Protein context (NP_000531.2, residues 910-930): HSLPEPERNY[Asn920Thr]LQMSGETLKT